The following is an entry in ClinVar:

NM_000388.4(CASR):c.2680G>C (p.Val894Leu)

Gene: CASR (calcium sensing receptor; plus strand). Cytogenetic location: 3q21.1.
Variant type: single nucleotide variant.
Coding change: c.2680G>C on transcript NM_000388.4 (MANE Select); coding-DNA position 2680, G replaced by C.
Protein change: p.Val894Leu; replaces valine 894 with leucine.
Molecular consequence: missense variant.
Genome position (GRCh38, 1-based): chr3:122,284,634, G>C. VCF-style: chr3-122284634-G-C. GRCh37 (hg19) VCF-style: chr3-122003481-G-C.
Other names: c.2710G>C, p.Val904Leu (NM_001178065.2); short protein forms V894L, V904L.
Identifiers: ClinVar variation 958630 (VCV000958630.11), dbSNP rs200883282, ClinGen allele CA354160547.

ClinVar aggregate classification (germline): Conflicting classifications of pathogenicity. Review status: criteria provided, conflicting classifications (1 of 4 stars). 3 submissions from 3 submitters: Uncertain significance (2); Likely benign (1). Last evaluated 2024-08-05.

Conditions:
Nephrolithiasis/nephrocalcinosis. Identifiers: MedGen CN580796.
Autosomal dominant hypocalcemia 1 (HYPOC1). Also called: HYPOCALCEMIA, FAMILIAL. Identifiers: MedGen C3715128, MONDO:0011013, OMIM 601198.
Familial hypocalciuric hypercalcemia (FHH). Also called: Familial benign hypercalcemia. Identifiers: Orphanet 405, MedGen C1809471, MONDO:0018458.

gnomAD v4.1: 3 of 1,614,020 alleles (0.00019%); highest among the groups gnomAD compares: South Asian, 0.0011%; no homozygotes.

Submissions (3):

Labcorp Genetics (formerly Invitae), Labcorp
Classification: Likely benign for Familial hypocalciuric hypercalcemia; Autosomal dominant hypocalcemia 1. Last evaluated: 2024-08-05. Review status: criteria provided, single submitter. Criteria: Invitae Variant Classification Sherloc (09022015). Collection method: clinical testing. Allele origin: germline.

Ambry Genetics
Classification: Uncertain significance for Nephrolithiasis/nephrocalcinosis. Last evaluated: 2022-11-19. Review status: criteria provided, single submitter. Criteria: Ambry Variant Classification Scheme 2023. Collection method: clinical testing. Allele origin: germline.
Comment: The p.V894L variant (also known as c.2680G>C), located in coding exon 6 of the CASR gene, results from a G to C substitution at nucleotide position 2680. The valine at codon 894 is replaced by leucine, an amino acid with highly similar properties. This amino acid position is not well conserved in available vertebrate species. In addition, this alteration is predicted to be tolerated by in silico analysis. Since supporting evidence is limited at this time, the clinical significance of this alteration remains unclear.

Blueprint Genetics
Classification: Uncertain significance. Last evaluated: 2021-05-25. Review status: criteria provided, single submitter. Criteria: ACMG Guidelines, 2015. Collection method: clinical testing. Allele origin: germline.